The following is an entry in ClinVar:

NM_001366110.1(PAX4):c.680G>A (p.Arg227Gln)

Gene: PAX4 (paired box 4; minus strand). Cytogenetic location: 7q32.1.
Variant type: single nucleotide variant.
Coding change: c.680G>A on transcript NM_001366110.1 (MANE Select); coding-DNA position 680, G replaced by A.
Protein change: p.Arg227Gln; replaces arginine 227 with glutamine.
Molecular consequence: missense variant.
Genome position (GRCh38, 1-based): chr7:127,613,057, C>T on the plus strand (G>A on the coding strand, the complement: PAX4 is on the minus strand). VCF-style: chr7-127613057-C-T. GRCh37 (hg19) VCF-style: chr7-127253111-C-T.
Other names: NM_006193.2:c.656G>A; c.680G>A, p.Arg227Gln (NM_001366111.1); short protein forms R227Q.
Identifiers: ClinVar variation 3033427 (VCV003033427.3), dbSNP rs557297016, ClinGen allele CA4467982.

ClinVar aggregate classification (germline): Likely benign. Review status: criteria provided, single submitter (1 of 4 stars). 2 submissions from 2 submitters: Likely benign (1). 1 of the submissions does not count toward it. Last evaluated 2025-10-03.

Conditions:
PAX4-related disorder. Also called: PAX4-related condition.

Allele frequency attached by ClinVar (database versions not stated): TOPMed 0.00006; gnomAD 0.00014; gnomAD exomes 0.00029; ExAC 0.00055; 1000 Genomes Project 30x 0.00078; 1000 Genomes Project 0.00080.
gnomAD v4.1: 434 of 1,613,354 alleles (0.027%); highest among the groups gnomAD compares: South Asian, 0.44%; 7 homozygotes.

Submissions (2):

Labcorp Genetics (formerly Invitae), Labcorp
Classification: Likely benign. Last evaluated: 2025-10-03. Review status: criteria provided, single submitter. Criteria: Invitae Variant Classification Sherloc (09022015). Collection method: clinical testing. Allele origin: germline.

PreventionGenetics, part of Exact Sciences
Classification: Benign for PAX4-related condition. Last evaluated: 2020-11-20. Review status: no assertion criteria provided. Collection method: clinical testing. Allele origin: germline. Not counted in ClinVar's aggregate classification.
Comment: This variant is classified as benign based on ACMG/AMP sequence variant interpretation guidelines (Richards et al. 2015 PMID: 25741868, with internal and published modifications).